The following is an entry in ClinVar:

NM_152732.5(RSPH9):c.719G>A (p.Arg240His)

Gene: RSPH9 (radial spoke head component 9; plus strand). Cytogenetic location: 6p21.1.
Variant type: single nucleotide variant.
Coding change: c.719G>A on transcript NM_152732.5 (MANE Select); coding-DNA position 719, G replaced by A.
Protein change: p.Arg240His; replaces arginine 240 with histidine.
Molecular consequence: missense variant. On other transcripts: synonymous variant (2), non-coding transcript variant (2).
Genome position (GRCh38, 1-based): chr6:43,670,837, G>A. VCF-style: chr6-43670837-G-A. GRCh37 (hg19) VCF-style: chr6-43638574-G-A.
Other names: c.771G>A, p.Ala257= (NM_001193341.2); c.816G>A, p.Ala272= (NM_001424119.1); c.674G>A, p.Arg225His (NM_001424120.1); short protein forms R240H, R225H.
Identifiers: ClinVar variation 653075 (VCV000653075.8), dbSNP rs143815397, ClinGen allele CA3828398.
Genomic context (GRCh38, chr6:43,670,837, plus strand): 5'-GTCTTATCTCAGGGTCCTGGAGCATCCAGATGGAGAGGGGCAATGCCCTGGTGGTGCTGC[G>A]CAGCCTGCTCTGGCCGGGCCTCACCTTCTACCATGCTCCCCGCACCAAGAACTATGGCTA-3'
Protein context (NP_689945.2, residues 230-250): MERGNALVVL[Arg240His]SLLWPGLTFY

ClinVar aggregate classification (germline): Uncertain significance. Review status: criteria provided, multiple submitters, no conflicts (2 of 4 stars). 2 submissions from 2 submitters: Uncertain significance (2). Last evaluated 2021-08-27.

Conditions:
Primary ciliary dyskinesia. Also called: Ciliary dyskinesia. Identifiers: Orphanet 244, MedGen C0008780, MONDO:0016575, HP:0012265.

Allele frequency attached by ClinVar (database versions not stated): ExAC 0.00007; ESP Exome Variant Server 0.00008; gnomAD exomes 0.00008 and 0.00002; 1000 Genomes Project 30x 0.00031; gnomAD 0.00003 and 0.00005; TOPMed 0.00006.
gnomAD v4.1: 43 of 1,614,204 alleles (0.0027%); highest among the groups gnomAD compares: Admixed American, 0.03%; no homozygotes.

Submissions (2):

Labcorp Genetics (formerly Invitae), Labcorp
Classification: Uncertain significance for Primary ciliary dyskinesia. Last evaluated: 2021-08-27. Review status: criteria provided, single submitter. Criteria: Invitae Variant Classification Sherloc (09022015). Collection method: clinical testing. Allele origin: germline.
Comment: This sequence change replaces arginine with histidine at codon 240 of the RSPH9 protein (p.Arg240His). The arginine residue is moderately conserved and there is a small physicochemical difference between arginine and histidine. This variant is present in population databases (rs143815397, ExAC 0.03%). This variant has not been reported in the literature in individuals affected with RSPH9-related conditions. Algorithms developed to predict the effect of missense changes on protein structure and function are either unavailable or do not agree on the potential impact of this missense change (SIFT: "Tolerated"; PolyPhen-2: "Probably Damaging"; Align-GVGD: "Class C0"). In summary, the available evidence is currently insufficient to determine the role of this variant in disease. Therefore, it has been classified as a Variant of Uncertain Significance.

Ambry Genetics
Classification: Uncertain significance for Primary ciliary dyskinesia. Last evaluated: 2021-07-06. Review status: criteria provided, single submitter. Criteria: Ambry Variant Classification Scheme 2023. Collection method: clinical testing. Allele origin: germline.